The following is an entry in ClinVar:

NM_001166108.2(PALLD):c.440C>A (p.Thr147Asn)

Gene: PALLD (palladin, cytoskeletal associated protein; plus strand). Cytogenetic location: 4q32.3.
Variant type: single nucleotide variant.
Coding change: c.440C>A on transcript NM_001166108.2 (MANE Select); coding-DNA position 440, C replaced by A.
Protein change: p.Thr147Asn; replaces threonine 147 with asparagine.
Molecular consequence: missense variant.
Genome position (GRCh38, 1-based): chr4:168,511,944, C>A. VCF-style: chr4-168511944-C-A. GRCh37 (hg19) VCF-style: chr4-169433095-C-A.
Other names: c.440C>A, p.Thr147Asn (NM_016081.4); short protein forms T147N.
Identifiers: ClinVar variation 2625566 (VCV002625566.2), dbSNP rs2531432430, ClinGen allele CA358726028.

ClinVar aggregate classification (germline): Uncertain significance (1 of 4 stars; one submission).

Submission:

Ambry Genetics
Classification: Uncertain significance. Last evaluated: 2023-08-30. Review status: criteria provided, single submitter. Criteria: Ambry Variant Classification Scheme 2023. Collection method: clinical testing. Allele origin: germline.
Comment: The p.T147N variant (also known as c.440C>A), located in coding exon 1 of the PALLD gene, results from a C to A substitution at nucleotide position 440. The threonine at codon 147 is replaced by asparagine, an amino acid with similar properties. This amino acid position is conserved. In addition, this alteration is predicted to be tolerated by in silico analysis. Since supporting evidence is limited at this time, the clinical significance of this alteration remains unclear.